The following is an entry in ClinVar:

NM_000051.4(ATM):c.2031T>G (p.Ser677Arg)

Gene: ATM (ATM serine/threonine kinase; plus strand). Cytogenetic location: 11q22.3.
Variant type: single nucleotide variant.
Coding change: c.2031T>G on transcript NM_000051.4 (MANE Select); coding-DNA position 2031, T replaced by G.
Protein change: p.Ser677Arg; replaces serine 677 with arginine.
Molecular consequence: missense variant.
Genome position (GRCh38, 1-based): chr11:108,253,946, T>G. VCF-style: chr11-108253946-T-G. GRCh37 (hg19) VCF-style: chr11-108124673-T-G.
Other names: c.2031T>G, p.Ser677Arg (NM_001351834.2); short protein forms S677R.
Identifiers: ClinVar variation 3802613 (VCV003802613.1).
Genomic context (GRCh38, chr11:108,253,946, plus strand): 5'-TGACAAGATGGACTTTTTAACCATTGTGAGAGAATGTGGTATAGAAAAGCACCAGTCCAG[T>G]ATTGGCTTCTCTGTCCACCAGAATCTCAAGGAATCACTGGATCGCTGTCTTCTGGGATTA-3'
Protein context (NP_000042.3, residues 667-687): RECGIEKHQS[Ser677Arg]IGFSVHQNLK

ClinVar aggregate classification (germline): Uncertain significance (1 of 4 stars; one submission).

Conditions:
Hereditary cancer-predisposing syndrome. Also called: Neoplastic Syndromes, Hereditary; Hereditary Cancer Syndrome; Tumor predisposition; Hereditary neoplastic syndrome. Identifiers: Orphanet 140162, MedGen C0027672, MeSH D009386, MONDO:0015356.

Submission:

Ambry Genetics
Classification: Uncertain significance for Hereditary cancer-predisposing syndrome. Last evaluated: 2025-02-11. Review status: criteria provided, single submitter. Criteria: Ambry Variant Classification Scheme 2023. Collection method: clinical testing. Allele origin: germline.
Comment: The p.S677R variant (also known as c.2031T>G), located in coding exon 12 of the ATM gene, results from a T to G substitution at nucleotide position 2031. The serine at codon 677 is replaced by arginine, an amino acid with dissimilar properties. This amino acid position is conserved. In addition, this alteration is predicted to be tolerated by in silico analysis. Based on the available evidence, the clinical significance of this variant remains unclear.